The following is an entry in ClinVar:

ClinVar aggregate classification (germline): Uncertain significance (1 of 4 stars; one submission).

Conditions:
Hereditary nonpolyposis colorectal neoplasms. Identifiers: MedGen C0009405, MeSH D003123.

Submission:

Labcorp Genetics (formerly Invitae), Labcorp
Classification: Uncertain significance for Hereditary nonpolyposis colorectal neoplasms. Last evaluated: 2022-07-15. Review status: criteria provided, single submitter. Criteria: Invitae Variant Classification Sherloc (09022015). Collection method: clinical testing. Allele origin: germline.
Comment: In summary, the available evidence is currently insufficient to determine the role of this variant in disease. Therefore, it has been classified as a Variant of Uncertain Significance. Advanced modeling of protein sequence and biophysical properties (such as structural, functional, and spatial information, amino acid conservation, physicochemical variation, residue mobility, and thermodynamic stability) performed at Invitae indicates that this missense variant is not expected to disrupt MSH6 protein function. ClinVar contains an entry for this variant (Variation ID: 967390). This variant has not been reported in the literature in individuals affected with MSH6-related conditions. This variant is not present in population databases (gnomAD no frequency). This sequence change replaces asparagine, which is neutral and polar, with tyrosine, which is neutral and polar, at codon 1124 of the MSH6 protein (p.Asn1124Tyr).

NM_000179.3(MSH6):c.3370A>T (p.Asn1124Tyr)

Gene: MSH6 (mutS homolog 6; plus strand). Cytogenetic location: 2p16.3.
Variant type: single nucleotide variant.
Coding change: c.3370A>T on transcript NM_000179.3 (MANE Select); coding-DNA position 3370, A replaced by T.
Protein change: p.Asn1124Tyr; replaces asparagine 1124 with tyrosine.
Molecular consequence: missense variant.
Genome position (GRCh38, 1-based): chr2:47,803,617, A>T. VCF-style: chr2-47803617-A-T. GRCh37 (hg19) VCF-style: chr2-48030756-A-T.
Other names: c.2980A>T, p.Asn994Tyr (NM_001281492.2); c.2464A>T, p.Asn822Tyr (NM_001281493.2, NM_001281494.2); short protein forms N822Y, N994Y, N1124Y.
Identifiers: ClinVar variation 967390 (VCV000967390.10), dbSNP rs1443258363, ClinGen allele CA346758800.
Genomic context (GRCh38, chr2:47,803,617, plus strand): 5'-TTTGGAGATGATTTTATTCCTAATGACATTCTAATAGGCTGTGAGGAAGAGGAGCAGGAA[A>T]ATGGCAAAGCCTATTGTGTGCTTGTTACTGGACCAAATATGGGGGGCAAGTCTACGCTTA-3'
Protein context (NP_000170.1, residues 1114-1134): LIGCEEEEQE[Asn1124Tyr]GKAYCVLVTG